The following is an entry in ClinVar:

ClinVar aggregate classification (germline): Conflicting classifications of pathogenicity. Review status: criteria provided, conflicting classifications (1 of 4 stars). 2 submissions from 2 submitters: Pathogenic (1); Uncertain significance (1). Last evaluated 2025-02-24.

Conditions:
Early-infantile DEE. Also called: Early infantile epileptic encephalopathy; Ohtahara syndrome; Early infantile epileptic encephalopathy with suppression bursts. Identifiers: Orphanet 1934, MedGen C0393706, MONDO:0800491.

Submissions (2):

Labcorp Genetics (formerly Invitae), Labcorp
Classification: Pathogenic for Early-infantile DEE. Last evaluated: 2025-02-24. Review status: criteria provided, single submitter. Criteria: Invitae Variant Classification Sherloc (09022015). Collection method: clinical testing. Allele origin: germline.
Comment: This sequence change replaces lysine, which is basic and polar, with threonine, which is neutral and polar, at codon 1651 of the SCN1A protein (p.Lys1651Thr). This variant is not present in population databases (gnomAD no frequency). This missense change has been observed in individual(s) with clinical features of SCN1A-related conditions (internal data). In at least one individual the variant was observed to be de novo. ClinVar contains an entry for this variant (Variation ID: 448257). Invitae Evidence Modeling of protein sequence and biophysical properties (such as structural, functional, and spatial information, amino acid conservation, physicochemical variation, residue mobility, and thermodynamic stability) indicates that this missense variant is expected to disrupt SCN1A protein function with a positive predictive value of 95%. For these reasons, this variant has been classified as Pathogenic.

Athena Diagnostics
Classification: Uncertain significance. Last evaluated: 2018-03-15. Review status: criteria provided, single submitter. Criteria: Athena Diagnostics Criteria. Collection method: clinical testing. Allele origin: germline.

NM_001165963.4(SCN1A):c.4952A>C (p.Lys1651Thr)

Genes: SCN1A (sodium voltage-gated channel alpha subunit 1; minus strand), LOC102724058 (uncharacterized LOC102724058; plus strand). Cytogenetic location: 2q24.3.
Variant type: single nucleotide variant.
Coding change: c.4952A>C on transcript NM_001165963.4 (MANE Select); coding-DNA position 4952, A replaced by C.
Protein change: p.Lys1651Thr; replaces lysine 1651 with threonine.
Molecular consequence: missense variant. On other transcripts: non-coding transcript variant (1).
Genome position (GRCh38, 1-based): chr2:165,992,323, T>G on the plus strand (A>C on the coding strand, the complement: SCN1A is on the minus strand). VCF-style: chr2-165992323-T-G. GRCh37 (hg19) VCF-style: chr2-166848833-T-G.
Other names: c.4868A>C, p.Lys1623Thr (NM_001165964.3, NM_001353957.2, NM_001353958.2); c.4952A>C, p.Lys1651Thr (NM_001202435.3, NM_001353948.2); c.4919A>C, p.Lys1640Thr (NM_001353949.2, NM_001353950.2, NM_001353951.2 and 2 more transcripts); c.4916A>C, p.Lys1639Thr (NM_001353954.2, NM_001353955.2); c.4865A>C, p.Lys1622Thr (NM_001353960.2); c.2510A>C, p.Lys837Thr (NM_001353961.2); short protein forms K1640T, K1651T, K1622T, K837T, K1623T, K1639T.
Identifiers: ClinVar variation 448257 (VCV000448257.4), dbSNP rs1553520446, ClinGen allele CA349070051.